The following is an entry in ClinVar:

NM_000784.4(CYP27A1):c.304C>T (p.Pro102Ser)

Gene: CYP27A1 (cytochrome P450 family 27 subfamily A member 1; plus strand). Cytogenetic location: 2q35.
Variant type: single nucleotide variant.
Coding change: c.304C>T on transcript NM_000784.4 (MANE Select); coding-DNA position 304, C replaced by T.
Protein change: p.Pro102Ser; replaces proline 102 with serine.
Molecular consequence: missense variant.
Genome position (GRCh38, 1-based): chr2:218,809,625, C>T. VCF-style: chr2-218809625-C-T. GRCh37 (hg19) VCF-style: chr2-219674348-C-T.
Other names: short protein forms P102S.
Identifiers: ClinVar variation 4975627 (VCV004975627.1).
Genomic context (GRCh38, chr2:218,809,625, plus strand): 5'-TGAACTCCACAGGTGCTTTACAAGGCCAAGTACGGTCCAATGTGGATGTCCTACTTAGGG[C>T]CTCAGATGCACGTGAACCTGGCCAGTGCCCCGCTCTTGGAGCAAGTGATGCGGCAAGAGG-3'
Protein context (NP_000775.1, residues 92-112): YGPMWMSYLG[Pro102Ser]QMHVNLASAP

ClinVar aggregate classification (germline): Uncertain significance (1 of 4 stars; one submission).

Submission:

GeneDx
Classification: Uncertain significance. Last evaluated: 2026-01-30. Review status: criteria provided, single submitter. Criteria: GeneDx Variant Classification Process June 2021. Collection method: clinical testing. Allele origin: germline.
Comment: Not observed at significant frequency in large population cohorts (gnomAD); In silico analysis supports that this missense variant has a deleterious effect on protein structure/function; Has not been previously published as pathogenic or benign to our knowledge